The following is an entry in ClinVar:

NM_018669.6(WDR4):c.1214C>T (p.Pro405Leu)

Gene: WDR4 (WDR4 tRNA N7-guanosine methyltransferase non-catalytic subunit; minus strand). Cytogenetic location: 21q22.3.
Variant type: single nucleotide variant.
Coding change: c.1214C>T on transcript NM_018669.6 (MANE Select); coding-DNA position 1214, C replaced by T.
Protein change: p.Pro405Leu; replaces proline 405 with leucine.
Molecular consequence: missense variant. On other transcripts: non-coding transcript variant (1).
Genome position (GRCh38, 1-based): chr21:42,850,074, G>A on the plus strand (C>T on the coding strand, the complement: WDR4 is on the minus strand). VCF-style: chr21-42850074-G-A. GRCh37 (hg19) VCF-style: chr21-44270184-G-A.
Other names: c.1211C>T, p.Pro404Leu (NM_001260474.2); c.776C>T, p.Pro259Leu (NM_001260475.2, NM_001260476.2, NM_001260477.2); c.1214C>T, p.Pro405Leu (NM_033661.5); short protein forms P404L, P259L, P405L.
Identifiers: ClinVar variation 3469399 (VCV003469399.3).

ClinVar aggregate classification (germline): Uncertain significance. Review status: criteria provided, multiple submitters, no conflicts (2 of 4 stars). 2 submissions from 2 submitters: Uncertain significance (2). Last evaluated 2024-08-14.

Conditions:
Inborn genetic diseases. Identifiers: MedGen C0950123, MeSH D030342.

gnomAD v4.1: 60 of 1,613,952 alleles (0.0037%); highest among the groups gnomAD compares: Non-Finnish European, 0.0045%; no homozygotes.

Submissions (2):

Ambry Genetics
Classification: Uncertain significance for Inborn genetic diseases. Last evaluated: 2024-08-14. Review status: criteria provided, single submitter. Criteria: Ambry Variant Classification Scheme 2023. Collection method: clinical testing. Allele origin: germline.

Labcorp Genetics (formerly Invitae), Labcorp
Classification: Uncertain significance. Last evaluated: 2024-04-02. Review status: criteria provided, single submitter. Criteria: Invitae Variant Classification Sherloc (09022015). Collection method: clinical testing. Allele origin: germline.
Comment: This sequence change replaces proline, which is neutral and non-polar, with leucine, which is neutral and non-polar, at codon 405 of the WDR4 protein (p.Pro405Leu). This variant is present in population databases (rs753862457, gnomAD 0.007%). This variant has not been reported in the literature in individuals affected with WDR4-related conditions. An algorithm developed to predict the effect of missense changes on protein structure and function (PolyPhen-2) suggests that this variant is likely to be tolerated. In summary, the available evidence is currently insufficient to determine the role of this variant in disease. Therefore, it has been classified as a Variant of Uncertain Significance.